The following is an entry in ClinVar:

ClinVar aggregate classification (germline): Likely benign. Review status: criteria provided, multiple submitters, no conflicts (2 of 4 stars). 3 submissions from 3 submitters: Likely benign (2). 1 of the submissions does not count toward it. Last evaluated 2024-11-03.

Conditions:
Cardiovascular phenotype. Identifiers: MedGen CN230736.
TBX1-related disorder. Also called: TBX1-Related Disorders; TBX1-related condition.
DiGeorge syndrome. Also called: Catch22; THIRD AND FOURTH PHARYNGEAL POUCH SYNDROME. Identifiers: Orphanet 567, MedGen C0012236, MONDO:0008564, OMIM 188400.

gnomAD v4.1: 4 of 1,308,618 alleles (0.00031%); highest among the groups gnomAD compares: Non-Finnish European, 0.00039%; no homozygotes.

Submissions (3):

Ambry Genetics
Classification: Likely benign for Cardiovascular phenotype. Last evaluated: 2024-11-03. Review status: criteria provided, single submitter. Criteria: Ambry Variant Classification Scheme 2023. Collection method: clinical testing. Allele origin: germline.

Labcorp Genetics (formerly Invitae), Labcorp
Classification: Likely benign for DiGeorge syndrome. Last evaluated: 2024-07-27. Review status: criteria provided, single submitter. Criteria: Invitae Variant Classification Sherloc (09022015). Collection method: clinical testing. Allele origin: germline.

PreventionGenetics, part of Exact Sciences
Classification: Likely benign for TBX1-related condition. Last evaluated: 2024-09-13. Review status: no assertion criteria provided. Collection method: clinical testing. Allele origin: germline. Not counted in ClinVar's aggregate classification.
Comment: This variant is classified as likely benign based on ACMG/AMP sequence variant interpretation guidelines (Richards et al. 2015 PMID: 25741868, with internal and published modifications).

NM_001379200.1(TBX1):c.1167C>T (p.Gly389=)

Gene: TBX1 (T-box transcription factor 1; plus strand). Cytogenetic location: 22q11.21.
Variant type: single nucleotide variant.
Coding change: c.1167C>T on transcript NM_001379200.1 (MANE Select); coding-DNA position 1167, C replaced by T.
Protein change: p.Gly389=; no amino-acid change (glycine 389 retained).
Molecular consequence: synonymous variant. On other transcripts: intron variant (2).
Genome position (GRCh38, 1-based): chr22:19,766,519, C>T. VCF-style: chr22-19766519-C-T. GRCh37 (hg19) VCF-style: chr22-19754042-C-T.
Other names: c.1140C>T, p.Gly380= (NM_080647.1); c.1009+517C>T (NM_005992.1, NM_080646.2).
Identifiers: ClinVar variation 2890635 (VCV002890635.5), dbSNP rs111605258, ClinGen allele CA513687222.
Genomic context (GRCh38, chr22:19,766,519, plus strand): 5'-TCCTCCGCAGCTGCTGGCCCGGGTGCTAAGCCCCTCGCTGCCCGGGGCCGGCGGCGCCGG[C>T]GGCTTAGTCCCGCTGCCCGGCGCGCCCGGAGGCCGGCCCAGTCCCCCGAACCCCGAGCTG-3'
Protein context (NP_001366129.1, residues 379-399): SPSLPGAGGA[Gly389=]GLVPLPGAPG